The following is an entry in ClinVar:

NM_000535.7(PMS2):c.329C>T (p.Ala110Val)

Gene: PMS2 (PMS1 homolog 2, mismatch repair system component; minus strand). Cytogenetic location: 7p22.1.
Variant type: single nucleotide variant.
Coding change: c.329C>T on transcript NM_000535.7 (MANE Select); coding-DNA position 329, C replaced by T.
Protein change: p.Ala110Val; replaces alanine 110 with valine.
Molecular consequence: missense variant. On other transcripts: 5 prime UTR variant (25), non-coding transcript variant (1), intron variant (21).
Genome position (GRCh38, 1-based): chr7:6,003,714, G>A on the plus strand (C>T on the coding strand, the complement: PMS2 is on the minus strand). VCF-style: chr7-6003714-G-A. GRCh37 (hg19) VCF-style: chr7-6043345-G-A.
Other names: c.-77C>T (NM_001018040.1, NM_001322003.2, NM_001322004.2 and 14 more transcripts); c.329C>T, p.Ala110Val (NM_001322006.2, NM_001322014.2, NM_001406869.1 and 8 more transcripts); c.-556C>T (NM_001322011.2, NM_001322012.2); c.-156C>T (NM_001322015.2, NM_001406875.1, NM_001406877.1 and 3 more transcripts); c.515C>T, p.Ala172Val (NM_001406866.1); c.353C>T, p.Ala118Val (NM_001406868.1); c.-67C>T (NM_001406890.1); c.35+258C>T (NM_001322008.2, NM_001406902.1, NM_001406883.1 and 4 more transcripts); and 5 more; short protein forms A118V, A110V, A172V.
Identifiers: ClinVar variation 2763518 (VCV002763518.5), dbSNP rs2128826434, ClinGen allele CA366744569.

ClinVar aggregate classification (germline): Uncertain significance. Review status: criteria provided, multiple submitters, no conflicts (2 of 4 stars). 3 submissions from 3 submitters: Uncertain significance (3). Last evaluated 2025-10-30.

Conditions:
Hereditary nonpolyposis colorectal neoplasms. Identifiers: MedGen C0009405, MeSH D003123.
Hereditary cancer-predisposing syndrome. Also called: Hereditary neoplastic syndrome; Neoplastic Syndromes, Hereditary; Hereditary Cancer Syndrome; Tumor predisposition. Identifiers: Orphanet 140162, MedGen C0027672, MeSH D009386, MONDO:0015356.

Submissions (3):

Ambry Genetics
Classification: Uncertain significance for Hereditary cancer-predisposing syndrome. Last evaluated: 2025-10-30. Review status: criteria provided, single submitter. Criteria: Ambry Variant Classification Scheme 2023. Collection method: clinical testing. Allele origin: germline.
Comment: The p.A110V variant (also known as c.329C>T), located in coding exon 4 of the PMS2 gene, results from a C to T substitution at nucleotide position 329. The alanine at codon 110 is replaced by valine, an amino acid with similar properties. This amino acid position is conserved. In addition, this alteration is predicted to be deleterious by in silico analysis. Based on the available evidence, the clinical significance of this variant remains unclear.

Color Diagnostics, LLC DBA Color Health
Classification: Uncertain significance for Hereditary cancer-predisposing syndrome. Last evaluated: 2024-03-07. Review status: criteria provided, single submitter. Criteria: ACMG Guidelines, 2015. Collection method: clinical testing. Allele origin: germline.
Comment: This missense variant replaces alanine with valine at codon 110 of the PMS2 protein. Computational prediction suggests that this variant may have deleterious impact on protein structure and function (internally defined REVEL score threshold >= 0.7, PMID: 27666373). To our knowledge, functional studies have not been reported for this variant. This variant has not been reported in individuals affected with hereditary cancer in the literature. This variant has not been identified in the general population by the Genome Aggregation Database (gnomAD). The available evidence is insufficient to determine the role of this variant in disease conclusively. Therefore, this variant is classified as a Variant of Uncertain Significance.

Labcorp Genetics (formerly Invitae), Labcorp
Classification: Uncertain significance for Hereditary nonpolyposis colorectal neoplasms. Last evaluated: 2023-09-26. Review status: criteria provided, single submitter. Criteria: Invitae Variant Classification Sherloc (09022015). Collection method: clinical testing. Allele origin: germline.
Comment: In summary, the available evidence is currently insufficient to determine the role of this variant in disease. Therefore, it has been classified as a Variant of Uncertain Significance. Advanced modeling of protein sequence and biophysical properties (such as structural, functional, and spatial information, amino acid conservation, physicochemical variation, residue mobility, and thermodynamic stability) performed at Invitae indicates that this missense variant is expected to disrupt PMS2 protein function. This variant has not been reported in the literature in individuals affected with PMS2-related conditions. This variant is not present in population databases (gnomAD no frequency). This sequence change replaces alanine, which is neutral and non-polar, with valine, which is neutral and non-polar, at codon 110 of the PMS2 protein (p.Ala110Val).